The following is an entry in ClinVar:

NM_003571.4(BFSP2):c.-4G>A

Gene: BFSP2 (beaded filament structural protein 2; plus strand). Cytogenetic location: 3q22.1.
Variant type: single nucleotide variant.
Coding change: c.-4G>A on transcript NM_003571.4 (MANE Select); 4 bases upstream of the start codon, G replaced by A.
Molecular consequence: 5 prime UTR variant.
Genome position (GRCh38, 1-based): chr3:133,400,080, G>A. VCF-style: chr3-133400080-G-A. GRCh37 (hg19) VCF-style: chr3-133118924-G-A.
Identifiers: ClinVar variation 900394 (VCV000900394.4), dbSNP rs534216602, ClinGen allele CA2623149.

ClinVar aggregate classification (germline): Likely benign (1 of 4 stars; one submission).

Conditions:
Cataract 12 multiple types. Identifiers: Orphanet 91492, MedGen C3808115, MONDO:0012701, OMIM 611597.

Allele frequency attached by ClinVar (database versions not stated): gnomAD 0.00001; TOPMed 0.00001; gnomAD exomes 0.00002; ExAC 0.00004; 1000 Genomes Project 30x 0.00016; 1000 Genomes Project 0.00020.
gnomAD v4.1: 36 of 1,614,026 alleles (0.0022%); highest among the groups gnomAD compares: East Asian, 0.076%; no homozygotes.

Submission:

Illumina Laboratory Services, Illumina
Classification: Likely benign for Cataract 12 multiple types. Last evaluated: 2018-01-13. Review status: criteria provided, single submitter. Criteria: ICSL Variant Classification Criteria 13 December 2019. Collection method: clinical testing. Allele origin: germline.
Comment: This variant was observed in the ICSL laboratory as part of a predisposition screen in an ostensibly healthy population. It had not been previously curated by ICSL or reported in the Human Gene Mutation Database (HGMD: prior to June 1st, 2018), and was therefore a candidate for classification through an automated scoring system. Utilizing variant allele frequency, disease prevalence and penetrance estimates, and inheritance mode, an automated score was calculated to assess if this variant is too frequent to cause the disease. Based on the score and internal cut-off values, a variant classified as likely benign is not then subjected to further curation. The score for this variant resulted in a classification of likely benign for this disease.